The following is an entry in ClinVar:

ClinVar aggregate classification (germline): Uncertain significance (1 of 4 stars; one submission).

Conditions:
Progressive familial heart block type IB (PFHB1B). Identifiers: Orphanet 871, MedGen C1970298, MONDO:0011474, OMIM 604559.

Submission:

Labcorp Genetics (formerly Invitae), Labcorp
Classification: Uncertain significance for Progressive familial heart block type IB. Last evaluated: 2022-04-04. Review status: criteria provided, single submitter. Criteria: Invitae Variant Classification Sherloc (09022015). Collection method: clinical testing. Allele origin: germline.
Comment: This variant, c.3420_3421delinsTT, is a complex sequence change that results in the deletion of 2 and insertion of 2 amino acid(s) in the TRPM4 protein (p.Lys1140_Arg1141delinsAsnTrp). Information on the frequency of this variant in the gnomAD database is not available, as this variant may be reported differently in the database. In summary, the available evidence is currently insufficient to determine the role of this variant in disease. Therefore, it has been classified as a Variant of Uncertain Significance. Experimental studies and prediction algorithms are not available or were not evaluated, and the functional significance of this variant is currently unknown. This variant has not been reported in the literature in individuals affected with TRPM4-related conditions.

NM_017636.4(TRPM4):c.3420_3421delinsTT (p.Lys1140_Arg1141delinsAsnTrp)

Gene: TRPM4 (transient receptor potential cation channel subfamily M member 4; plus strand). Cytogenetic location: 19q13.33.
Variant type: Indel.
Coding change: c.3420_3421delinsTT on transcript NM_017636.4 (MANE Select); coding-DNA positions 3420 to 3421, GC replaced by TT.
Protein change: p.Lys1140_Arg1141delinsAsnTrp.
Molecular consequence: missense variant.
Genome position (GRCh38, 1-based): chr19:49,210,801-49,210,802, GC replaced by TT. VCF-style: chr19-49210801-GC-TT. GRCh37 (hg19) VCF-style: chr19-49714058-GC-TT.
Other names: c.2985_2986delinsTT, p.Lys995_Arg996delinsAsnTrp (NM_001195227.2); c.3075_3076delinsTT, p.Lys1025_Arg1026delinsAsnTrp (NM_001321281.2); c.1812_1813delinsTT, p.Lys604_Arg605delinsAsnTrp (NM_001321282.2); c.2898_2899delinsTT, p.Lys966_Arg967delinsAsnTrp (NM_001321283.2); c.2358_2359delinsTT, p.Lys786_Arg787delinsAsnTrp (NM_001321285.2).
Identifiers: ClinVar variation 2121279 (VCV002121279.4), dbSNP rs2514242602, ClinGen allele CA2580097540.